The following is an entry in ClinVar:

ClinVar aggregate classification (germline): Uncertain significance (1 of 4 stars; one submission).

Submission:

Ambry Genetics
Classification: Uncertain significance. Last evaluated: 2026-06-28. Review status: criteria provided, single submitter. Criteria: Ambry Variant Classification Scheme 2023. Collection method: clinical testing. Allele origin: germline.
Comment: The p.S384F variant (also known as c.1151C>T), located in coding exon 1 of the MLH3 gene, results from a C to T substitution at nucleotide position 1151. The serine at codon 384 is replaced by phenylalanine, an amino acid with highly dissimilar properties. This amino acid position is conserved. In addition, the in silico prediction for this alteration is inconclusive. Based on the available evidence, the clinical significance of this variant remains unclear.

NM_001040108.2(MLH3):c.1151C>T (p.Ser384Phe)

Gene: MLH3 (mutL homolog 3; minus strand). Cytogenetic location: 14q24.3.
Variant type: single nucleotide variant.
Coding change: c.1151C>T on transcript NM_001040108.2 (MANE Select); coding-DNA position 1151, C replaced by T.
Protein change: p.Ser384Phe; replaces serine 384 with phenylalanine.
Molecular consequence: missense variant.
Genome position (GRCh38, 1-based): chr14:75,048,505, G>A on the plus strand (C>T on the coding strand, the complement: MLH3 is on the minus strand). VCF-style: chr14-75048505-G-A. GRCh37 (hg19) VCF-style: chr14-75515208-G-A.
Other names: c.1151C>T, p.Ser384Phe (NM_014381.3); short protein forms S384F.
Identifiers: ClinVar variation 5024579 (VCV005024579.1).
Genomic context (GRCh38, chr14:75,048,505, plus strand): 5'-AACATCTCATAGGAATCTAAAATATTATTACATGCTTCCTGGAAATTGCTCCTCTCATCG[G>A]AAGTCACACGCTTCTGAAGAGTAGCATCAAATAAACTAAAACCATTATCTTCACTAAATT-3'
Protein context (NP_001035197.1, residues 374-394): FDATLQKRVT[Ser384Phe]DERSNFQEAC